The following is an entry in ClinVar:

ClinVar aggregate classification (germline): Uncertain significance (1 of 4 stars; one submission).

Allele frequency attached by ClinVar (database versions not stated): gnomAD exomes below 0.00001.
gnomAD v4.1: 2 of 1,614,042 alleles (0.00012%); highest among the groups gnomAD compares: South Asian, 0.0022%; no homozygotes.

Submission:

Labcorp Genetics (formerly Invitae), Labcorp
Classification: Uncertain significance. Last evaluated: 2023-11-17. Review status: criteria provided, single submitter. Criteria: Invitae Variant Classification Sherloc (09022015). Collection method: clinical testing. Allele origin: germline.
Comment: This sequence change replaces isoleucine, which is neutral and non-polar, with leucine, which is neutral and non-polar, at codon 203 of the GJB2 protein (p.Ile203Leu). This variant is not present in population databases (gnomAD no frequency). This variant has not been reported in the literature in individuals affected with GJB2-related conditions. Advanced modeling of protein sequence and biophysical properties (such as structural, functional, and spatial information, amino acid conservation, physicochemical variation, residue mobility, and thermodynamic stability) has been performed at Invitae for this missense variant, however the output from this modeling did not meet the statistical confidence thresholds required to predict the impact of this variant on GJB2 protein function. In summary, the available evidence is currently insufficient to determine the role of this variant in disease. Therefore, it has been classified as a Variant of Uncertain Significance.

NM_004004.6(GJB2):c.607A>C (p.Ile203Leu)

Gene: GJB2 (gap junction protein beta 2; minus strand). Cytogenetic location: 13q12.11.
Variant type: single nucleotide variant.
Coding change: c.607A>C on transcript NM_004004.6 (MANE Select); coding-DNA position 607, A replaced by C.
Protein change: p.Ile203Leu; replaces isoleucine 203 with leucine.
Molecular consequence: missense variant.
Genome position (GRCh38, 1-based): chr13:20,188,975, T>G on the plus strand (A>C on the coding strand, the complement: GJB2 is on the minus strand). VCF-style: chr13-20188975-T-G. GRCh37 (hg19) VCF-style: chr13-20763114-T-G.
Other names: short protein forms I203L.
Identifiers: ClinVar variation 2994400 (VCV002994400.3), dbSNP rs2500249283, ClinGen allele CA387460810.